The following is an entry in ClinVar:

NM_001103.4(ACTN2):c.1298C>G (p.Ser433Trp)

Gene: ACTN2 (actinin alpha 2; plus strand). Cytogenetic location: 1q43.
Variant type: single nucleotide variant.
Coding change: c.1298C>G on transcript NM_001103.4 (MANE Select); coding-DNA position 1298, C replaced by G.
Protein change: p.Ser433Trp; replaces serine 433 with tryptophan.
Molecular consequence: missense variant.
Genome position (GRCh38, 1-based): chr1:236,744,668, C>G. VCF-style: chr1-236744668-C-G. GRCh37 (hg19) VCF-style: chr1-236907968-C-G.
Other names: c.1298C>G, p.Ser433Trp (NM_001278343.2); c.674C>G, p.Ser225Trp (NM_001278344.2); c.548C>G, p.Ser183Trp (NM_001412150.1); c.1298C>G (NM_001103.2); short protein forms S183W, S225W, S433W.
Identifiers: ClinVar variation 2151415 (VCV002151415.6), dbSNP rs143749154, ClinGen allele CA345382683.
Genomic context (GRCh38, chr1:236,744,668, plus strand): 5'-TTGCTACCACCTTTGCAGGCAAAGAGCAGATCTTGCTGCAGAAGGATTACGAGTCGGCGT[C>G]GCTGACAGAGGTGCGGGCTCTGCTGCGGAAGCACGAGGCGTTCGAGAGCGACCTGGCAGC-3'
Protein context (NP_001094.1, residues 423-443): ILLQKDYESA[Ser433Trp]LTEVRALLRK

ClinVar aggregate classification (germline): Conflicting classifications of pathogenicity. Review status: criteria provided, conflicting classifications (1 of 4 stars). 2 submissions from 2 submitters: Uncertain significance (1); Benign (1). Last evaluated 2025-08-25.

Conditions:
Primary familial hypertrophic cardiomyopathy (HCM). Identifiers: Orphanet 99739, MedGen C0949658, MeSH D024741, MONDO:0024573. Inheritance: Various modes of inheritance.
Dilated cardiomyopathy 1AA (CMD1AA). Also called: Cardiomyopathy, dilated, 1AA, with or without LVNC; CARDIOMYOPATHY, FAMILIAL HYPERTROPHIC, 23, WITH OR WITHOUT LEFT VENTRICULAR NONCOMPACTION; CARDIOMYOPATHY, DILATED, 1AA, WITH OR WITHOUT LEFT VENTRICULAR NONCOMPACTION. Identifiers: Orphanet 154, MedGen C2677338, MONDO:0012808, OMIM 612158.
Cardiovascular phenotype. Identifiers: MedGen CN230736.

gnomAD v4.1: 1 of 1,614,096 alleles (0.000062%); highest among the groups gnomAD compares: African/African-American, 0.0013%; no homozygotes.

Submissions (2):

Labcorp Genetics (formerly Invitae), Labcorp
Classification: Benign for Primary familial hypertrophic cardiomyopathy; Dilated cardiomyopathy 1AA. Last evaluated: 2025-08-25. Review status: criteria provided, single submitter. Criteria: Invitae Variant Classification Sherloc (09022015). Collection method: clinical testing. Allele origin: germline.

Ambry Genetics
Classification: Uncertain significance for Cardiovascular phenotype. Last evaluated: 2023-05-14. Review status: criteria provided, single submitter. Criteria: Ambry Variant Classification Scheme 2023. Collection method: clinical testing. Allele origin: germline.
Comment: The p.S433W variant (also known as c.1298C>G), located in coding exon 12 of the ACTN2 gene, results from a C to G substitution at nucleotide position 1298. The serine at codon 433 is replaced by tryptophan, an amino acid with highly dissimilar properties. This amino acid position is conserved. In addition, this alteration is predicted to be tolerated by in silico analysis. Since supporting evidence is limited at this time, the clinical significance of this alteration remains unclear.